The following continues an entry in ClinVar:

NM_000492.4(CFTR):c.3154T>G (p.Phe1052Val)

ClinVar aggregate classification (germline): drug response. drug response (1).

Submissions 13 to 28 of 39:

Ambry Genetics
Classification: Likely pathogenic for Cystic fibrosis. Last evaluated: 2025-03-06. Review status: criteria provided, single submitter. Criteria: Ambry Variant Classification Scheme 2023. Collection method: clinical testing. Allele origin: germline. Not counted in ClinVar's aggregate classification.
Comment: The p.F1052V variant (also known as c.3154T>G), located in coding exon 20 of the CFTR gene, results from a T to G substitution at nucleotide position 3154. The phenylalanine at codon 1052 is replaced by valine, an amino acid with highly similar properties. This variant has been reported in multiple individuals with an elevated sweat chloride level in The Clinical and Functional TRanslation of CFTR (CFTR2) database (available at CFTR2. Accessed 02/28/2024). This variant has also been identified in the homozygous state and in trans/likely in trans with another CFTR variant in individuals with a wide range of clinical manifestations, including asymptomatic patients as well as those with cystic fibrosis or CFTR-related disorder (Kanavakis E et al. Mol Hum Reprod, 1998 Apr;4:333-7; Onay T et al. Hum Genet, 1998 Feb;102:224-30; Padoan R et al. Acta Paediatr, 2002;91:82-7; Lakeman P et al. Genet. Test., 2008 Mar;12:25-35; Claustres M et al. Hum Mutat, 2017 Oct;38:1297-1315; Terlizzi V et al. Pediatr Pulmonol, 2020 May;55:1089-1093; Hatton A et al. J Cyst Fibros, 2022 May;21:448-455). In vitro studies demonstrated that this variant does not impact maturation of CFTR protein, but reduces CFTR function (Cotten JF et al. J. Biol. Chem., 1996 Aug;271:21279-84; Seibert FS et al. J. Biol. Chem., 1996 Jun;271:15139-45; Sosnay PR et al. Nat Genet, 2013 Oct;45:1160-7; Van Goor F et al. J Cyst Fibros, 2014 Jan;13:29-36). This amino acid position is highly conserved in available vertebrate species. In addition, this alteration is predicted to be deleterious by in silico analysis. Based on available evidence to date, this variant is unlikely to be causative of classic cystic fibrosis; however, it likely contributes to the development of a CFTR-related disorder. This alteration is thus classified as likely pathogenic.

Labcorp Genetics (formerly Invitae), Labcorp
Classification: Uncertain significance for Cystic fibrosis. Last evaluated: 2025-01-31. Review status: criteria provided, single submitter. Criteria: Invitae Variant Classification Sherloc (09022015). Collection method: clinical testing. Allele origin: germline. Not counted in ClinVar's aggregate classification.
Comment: This sequence change replaces phenylalanine, which is neutral and non-polar, with valine, which is neutral and non-polar, at codon 1052 of the CFTR protein (p.Phe1052Val). This variant is present in population databases (rs150212784, gnomAD 0.2%), including at least one homozygous and/or hemizygous individual. This missense change has been reported in individuals affected with cystic fibrosis, congenital absence of the vas deferens, pancreatitis, pancreatic cancer, and bronchiectasis (PMID: 9239681, 20460946, 18373402, 12439892, 17489851, 19885835, 12843327). However, this variant has also been reported to co-occur with p.Phe508del in at least one asymptomatic individual with borderline sweat chloride levels (PMID: 24204751) and with mild pathogenic variants in individuals with normal sweat chloride tests (PMID: 19885835, 11883825, 10801389, 19318035). ClinVar contains an entry for this variant (Variation ID: 35865). Invitae Evidence Modeling of protein sequence and biophysical properties (such as structural, functional, and spatial information, amino acid conservation, physicochemical variation, residue mobility, and thermodynamic stability) indicates that this missense variant is expected to disrupt CFTR protein function with a positive predictive value of 80%. Experimental studies in cultured cells have shown that CFTR protein with this missense variant retains ~87% of chloride transport activity relative to wild-type protein (PMID: 23891399, 26823392, 23974870). By comparison, most severe pathogenic variants, such as p.Phe508del, exhibit ~0-1% transport activity in these same assays. The clinical impact of this small effect on protein function is currently unknown. In summary, the available evidence is currently insufficient to determine the role of this variant in disease. Therefore, it has been classified as a Variant of Uncertain Significance.

Blueprint Genetics
Classification: Uncertain significance. Last evaluated: 2024-11-06. Review status: criteria provided, single submitter. Criteria: ACMG Guidelines, 2015. Collection method: clinical testing. Allele origin: germline. Not counted in ClinVar's aggregate classification.

Quest Diagnostics Nichols Institute San Juan Capistrano
Classification: Likely pathogenic. Last evaluated: 2024-10-07. Review status: criteria provided, single submitter. Criteria: Quest Diagnostics criteria. Collection method: clinical testing. Allele origin: unknown. Not counted in ClinVar's aggregate classification.
Comment: The c.3154T>G (p.Phe1052Val) variant (also known as F1052V) has been reported in the published literature as homozygous (PMIDs: 12439892 (2002), 18373402 (2008)) or compound heterozygous in individuals affected with cystic fibrosis (PMIDs: 9521595 (1998), 12200467 (2002), 15480987 (2004), 29168366 (2017), 36458240 (2022)), as well as in CFTR-related disorders (PMIDs: 7544319 (1995), 10970190 (2000), 19885835 (2010), 24204751 (2013), 32150665 (2020)). In addition, functional studies indicated that this variant did not hinder CFTR protein processing and chloride channel conductance, but it did reduce certain gating and kinetic properties of the chloride channel (PMIDs: 8702904 (1996), 8662892 (1996), 23891399 (2014)). The frequency of this variant in the general population, 0.006 (16/2664 chromosomes), is uninformative in assessment of its pathogenicity. Based on the available information, this variant is classified as likely pathogenic.

Molecular Genetics Laboratory, BC Children's and BC Women's Hospitals
Classification: Likely pathogenic for Cystic fibrosis. Last evaluated: 2024-08-13. Review status: criteria provided, single submitter. Criteria: ACMG Guidelines, 2015. Collection method: clinical testing. Allele origin: biparental. Affected: yes. Not counted in ClinVar's aggregate classification.

Fulgent Genetics
Classification: Likely pathogenic for Hereditary pancreatitis; Bronchiectasis with or without elevated sweat chloride 1; Cystic fibrosis; Congenital bilateral aplasia of vas deferens from CFTR mutation. Last evaluated: 2024-06-12. Review status: criteria provided, single submitter. Criteria: ACMG Guidelines, 2015. Collection method: clinical testing. Allele origin: germline. Not counted in ClinVar's aggregate classification.

Baylor Genetics
Classification: Pathogenic for Bronchiectasis with or without elevated sweat chloride 1. Last evaluated: 2024-03-29. Review status: criteria provided, single submitter. Criteria: ACMG Guidelines, 2015. Collection method: clinical testing. Allele origin: unknown. Not counted in ClinVar's aggregate classification.

Revvity Omics, Revvity
Classification: Likely pathogenic. Last evaluated: 2024-03-28. Review status: criteria provided, single submitter. Criteria: ACMG Guidelines, 2015. Collection method: clinical testing. Allele origin: germline. Not counted in ClinVar's aggregate classification.

Genomic Medicine Center of Excellence, King Faisal Specialist Hospital and Research Centre
Classification: Likely pathogenic for Cystic fibrosis. Last evaluated: 2024-03-26. Review status: criteria provided, single submitter. Criteria: ACMG Guidelines, 2015. Collection method: clinical testing. Allele origin: germline. Not counted in ClinVar's aggregate classification.

Laboratory of Medical Genetics, National & Kapodistrian University of Athens
Classification: Likely pathogenic for Cystic fibrosis. Last evaluated: 2024-02-01. Review status: criteria provided, single submitter. Criteria: ACMG Guidelines, 2015. Collection method: curation. Allele origin: germline. Affected: no. Not counted in ClinVar's aggregate classification.

Clinical Genetics Laboratory, Skane University Hospital Lund
Classification: Likely pathogenic. Last evaluated: 2022-05-27. Review status: criteria provided, single submitter. Criteria: ACMG Guidelines, 2015. Collection method: clinical testing. Allele origin: germline. Affected: yes. Not counted in ClinVar's aggregate classification.

MGZ Medical Genetics Center
Classification: Pathogenic for Hereditary pancreatitis. Last evaluated: 2022-02-15. Review status: criteria provided, single submitter. Criteria: ACMG Guidelines, 2015. Collection method: clinical testing. Allele origin: germline. Affected: yes. Observed: 2 variant alleles. Not counted in ClinVar's aggregate classification.
Comment: ACMG criteria applied: PM3_STR, PS3_MOD, PS4_MOD, PM2_SUP, PP3

Genome-Nilou Lab
Classification: Likely pathogenic for Cystic fibrosis. Last evaluated: 2021-07-14. Review status: criteria provided, single submitter. Criteria: ACMG Guidelines, 2015. Collection method: clinical testing. Allele origin: germline. Affected: yes. Not counted in ClinVar's aggregate classification.

Sema4
Classification: Likely pathogenic for Hereditary pancreatitis. Last evaluated: 2021-04-29. Review status: criteria provided, single submitter. Criteria: Sema4 Curation Guidelines. Collection method: curation. Allele origin: germline. Not counted in ClinVar's aggregate classification.
Comment: The CFTR c.3154T>G (p.F1052V) variant has been reported as homozygous and compound heterozygous with p.F508del in multiple individuals with cystic fibrosis (PMID: 18373402, 22892530, 30540547). There are reports of homozygous and compound heterozygous individuals who are asymptomatic or have a non-classic cystic fibrosis phenotype, some with normal sweat tests (PMID: 29589582, 29168366, 33393655, 24204751, 19885835). This variant has been reported in individuals with pancreatitis (PMID: 20460946,17489851, 25704068, 25033378), but was also found in healthy controls (PMID: 17489851, 25033378), and was identified in two patients with pancreatic cancer (PMID: 19885835, 32113160). Functional studies have shown that this variant significantly decreases the open probability of the CFTR channel, resulting in a reduction of channel activity (PMID: 8662892, 8702904), but still retains a chloride transport of approximately 87% of the wildtype channel (PMID: 23974870, 23891399). This variant was observed in 21/10348 chromosomes in the Ashkenazi Jewish population, with 1 homozygote among all ethnicities, according to the Genome Aggregation Database (PMID: 32461654). This variant has been reported in ClinVar (Variation ID: 35865). Based on the current evidence available, this variant is interpreted as likely pathogenic.

Genomic Research Center, Shahid Beheshti University of Medical Sciences
Classification: Likely pathogenic for Cystic fibrosis. Last evaluated: 2020-05-03. Review status: criteria provided, single submitter. Criteria: ACMG Guidelines, 2015. Collection method: clinical testing. Allele origin: unknown. Affected: yes. Not counted in ClinVar's aggregate classification.

Mayo Clinic Laboratories, Mayo Clinic
Classification: Uncertain significance. Last evaluated: 2019-12-17. Review status: criteria provided, single submitter. Criteria: ACMG Guidelines, 2015. Collection method: clinical testing. Allele origin: germline. Observed: 1 variant allele. Not counted in ClinVar's aggregate classification.